The following is an entry in ClinVar:

NM_000051.4(ATM):c.5497-11G>A

Gene: ATM (ATM serine/threonine kinase; plus strand). Cytogenetic location: 11q22.3.
Variant type: single nucleotide variant.
Coding change: c.5497-11G>A on transcript NM_000051.4 (MANE Select); 11 bases into the intron before coding-DNA position 5497, G replaced by A.
Molecular consequence: intron variant.
Genome position (GRCh38, 1-based): chr11:108,304,664, G>A. VCF-style: chr11-108304664-G-A. GRCh37 (hg19) VCF-style: chr11-108175391-G-A.
Other names: c.5497-11G>A (NM_001351834.2).
Identifiers: ClinVar variation 3254500 (VCV003254500.2), dbSNP rs2135942166.

ClinVar aggregate classification (germline): Likely benign. Review status: criteria provided, multiple submitters, no conflicts (2 of 4 stars). 2 submissions from 2 submitters: Likely benign (2). Last evaluated 2025-05-15.

Conditions:
Ataxia-telangiectasia syndrome (AT). Also called: LOUIS-BAR SYNDROME; Cerebello-oculocutaneous telangiectasia; Immunodeficiency with ataxia telangiectasia; AT, COMPLEMENTATION GROUP C; Ataxia-telangiectasia, complementation group D; ATAXIA-TELANGIECTASIA, COMPLEMENTATION GROUP A. Identifiers: Orphanet 100, MedGen C0004135, MONDO:0008840, OMIM 208900.
Familial cancer of breast. Also called: BREAST CANCER, FAMILIAL; hereditary breast carcinoma; Hereditary breast cancer. Identifiers: Orphanet 227535, MedGen C0346153, MONDO:0016419, OMIM 114480. Disease mechanism: loss of function.

Submissions (2):

Labcorp Genetics (formerly Invitae), Labcorp
Classification: Likely benign for Ataxia-telangiectasia syndrome. Last evaluated: 2025-05-15. Review status: criteria provided, single submitter. Criteria: Invitae Variant Classification Sherloc (09022015). Collection method: clinical testing. Allele origin: germline.

Myriad Genetics, Inc.
Classification: Likely benign for Familial cancer of breast. Last evaluated: 2024-05-23. Review status: criteria provided, single submitter. Criteria: Myriad Autosomal Dominant, Autosomal Recessive and X-Linked Classification Criteria (2023). Collection method: clinical testing. Allele origin: unknown.
Comment: This variant is considered likely benign. This variant is intronic and is not expected to impact mRNA splicing.